The following is an entry in ClinVar:

ClinVar aggregate classification (germline): Likely benign (1 of 4 stars; one submission).

Submission:

CeGaT Center for Human Genetics Tuebingen
Classification: Likely benign. Last evaluated: 2022-09-01. Review status: criteria provided, single submitter. Criteria: CeGaT Center For Human Genetics Tuebingen Variant Classification Criteria Version 2. Collection method: clinical testing. Allele origin: germline. Affected: yes. Observed: 1 variant allele.
Comment: VAPA: PM2:Supporting, BP4, BP7

NM_194434.3(VAPA):c.418-5376C>T

Gene: VAPA (VAMP associated protein A; plus strand). Cytogenetic location: 18p11.22.
Variant type: single nucleotide variant.
Coding change: c.418-5376C>T on transcript NM_194434.3 (MANE Select); 5376 bases into the intron before coding-DNA position 418, C replaced by T.
Molecular consequence: intron variant. On other transcripts: synonymous variant (1).
Genome position (GRCh38, 1-based): chr18:9,945,019, C>T. VCF-style: chr18-9945019-C-T. GRCh37 (hg19) VCF-style: chr18-9945016-C-T.
Other names: c.513C>T, p.Asp171= (NM_003574.6).
Identifiers: ClinVar variation 2648580 (VCV002648580.24), dbSNP rs2510223373, ClinGen allele CA503098051.